The following is an entry in ClinVar:

ClinVar aggregate classification (germline): Likely benign (0 of 4 stars; one submission).

Conditions:
ACSS2-related disorder. Also called: ACSS2-related condition.

Allele frequency attached by ClinVar (database versions not stated): ExAC 0.00002; gnomAD exomes 0.00005; gnomAD 0.00007; TOPMed 0.00007; ESP Exome Variant Server 0.00008.
gnomAD v4.1: 75 of 1,611,704 alleles (0.0047%); highest among the groups gnomAD compares: Non-Finnish European, 0.0058%; no homozygotes.

Submission:

PreventionGenetics, part of Exact Sciences
Classification: Likely benign for ACSS2-related condition. Last evaluated: 2021-05-26. Review status: no assertion criteria provided. Collection method: clinical testing. Allele origin: germline.
Comment: This variant is classified as likely benign based on ACMG/AMP sequence variant interpretation guidelines (Richards et al. 2015 PMID: 25741868, with internal and published modifications).

NM_018677.4(ACSS2):c.927C>T (p.Asp309=)

Gene: ACSS2 (acyl-CoA synthetase short chain family member 2; plus strand). Cytogenetic location: 20q11.22.
Variant type: single nucleotide variant.
Coding change: c.927C>T on transcript NM_018677.4 (MANE Select); coding-DNA position 927, C replaced by T.
Protein change: p.Asp309=; no amino-acid change (aspartic acid 309 retained).
Molecular consequence: synonymous variant.
Genome position (GRCh38, 1-based): chr20:34,919,527, C>T. VCF-style: chr20-34919527-C-T. GRCh37 (hg19) VCF-style: chr20-33507330-C-T.
Other names: c.966C>T, p.Asp322= (NM_001076552.3); c.642C>T, p.Asp214= (NM_001242393.2).
Identifiers: ClinVar variation 3055005 (VCV003055005.2), dbSNP rs370544852, ClinGen allele CA9825419.